The following is an entry in ClinVar:

ClinVar aggregate classification (germline): Uncertain significance (1 of 4 stars; one submission).

Submission:

Labcorp Genetics (formerly Invitae), Labcorp
Classification: Uncertain significance. Last evaluated: 2022-02-04. Review status: criteria provided, single submitter. Criteria: Invitae Variant Classification Sherloc (09022015). Collection method: clinical testing. Allele origin: germline.
Comment: In summary, the available evidence is currently insufficient to determine the role of this variant in disease. Therefore, it has been classified as a Variant of Uncertain Significance. Algorithms developed to predict the effect of missense changes on protein structure and function (SIFT, PolyPhen-2, Align-GVGD) all suggest that this variant is likely to be disruptive. This variant has not been reported in the literature in individuals affected with NBAS-related conditions. This variant is not present in population databases (gnomAD no frequency). This sequence change replaces aspartic acid, which is acidic and polar, with tyrosine, which is neutral and polar, at codon 2011 of the NBAS protein (p.Asp2011Tyr).

NM_015909.4(NBAS):c.6031G>T (p.Asp2011Tyr)

Gene: NBAS (NBAS subunit of NRZ tethering complex; minus strand). Cytogenetic location: 2p24.3.
Variant type: single nucleotide variant.
Coding change: c.6031G>T on transcript NM_015909.4 (MANE Select); coding-DNA position 6031, G replaced by T.
Protein change: p.Asp2011Tyr; replaces aspartic acid 2011 with tyrosine.
Molecular consequence: missense variant. On other transcripts: non-coding transcript variant (1).
Genome position (GRCh38, 1-based): chr2:15,234,660, C>A on the plus strand (G>T on the coding strand, the complement: NBAS is on the minus strand). VCF-style: chr2-15234660-C-A. GRCh37 (hg19) VCF-style: chr2-15374784-C-A.
Other names: short protein forms D2011Y.
Identifiers: ClinVar variation 1491925 (VCV001491925.8), dbSNP rs141843511, ClinGen allele CA345888730.
Genomic context (GRCh38, chr2:15,234,660, plus strand): 5'-TGTCAAGAGGGCCAACTGCCACCTCTAGCAGCTGCTGAATCATTGCTAGAGGCTGACCAT[C>A]TAAACAAATAGCCACAGCTTCATCATGAAGTTTCTCTTTTTCTGATCGGGACAGATCATA-3'
Protein context (NP_056993.2, residues 2001-2021): LHDEAVAICL[Asp2011Tyr]GQPLAMIQQL